The following is an entry in ClinVar:

ClinVar aggregate classification (germline): Uncertain significance (1 of 4 stars; one submission).

Conditions:
Progressive myoclonic epilepsy. Also called: Familial progressive myoclonic epilepsy; Progressive myoclonus epilepsy; Myoclonus epilepsy; Myoclonic Epilepsies, Progressive. Identifiers: Orphanet 308, Orphanet 98261, MedGen C0751778, MONDO:0020074.

Submission:

Labcorp Genetics (formerly Invitae), Labcorp
Classification: Uncertain significance for Progressive myoclonic epilepsy. Last evaluated: 2022-11-08. Review status: criteria provided, single submitter. Criteria: Invitae Variant Classification Sherloc (09022015). Collection method: clinical testing. Allele origin: germline.
Comment: Algorithms developed to predict the effect of missense changes on protein structure and function are either unavailable or do not agree on the potential impact of this missense change (SIFT: "Deleterious"; PolyPhen-2: "Possibly Damaging"; Align-GVGD: "Class C15"). In summary, the available evidence is currently insufficient to determine the role of this variant in disease. Therefore, it has been classified as a Variant of Uncertain Significance. This variant has not been reported in the literature in individuals affected with GOSR2-related conditions. This variant is not present in population databases (gnomAD no frequency). This sequence change replaces lysine, which is basic and polar, with glutamic acid, which is acidic and polar, at codon 57 of the GOSR2 protein (p.Lys57Glu).

NM_004287.5(GOSR2):c.169A>G (p.Lys57Glu)

Genes: GOSR2 (golgi SNAP receptor complex member 2; plus strand), LRRC37A2 (leucine rich repeat containing 37 member A2), LOC126862578 (BRD4-independent group 4 enhancer GRCh37_chr17:45008344-45009543; plus strand). Cytogenetic location: 17q21.32.
Variant type: single nucleotide variant.
Coding change: c.169A>G on transcript NM_004287.5 (MANE Select); coding-DNA position 169, A replaced by G.
Protein change: p.Lys57Glu; replaces lysine 57 with glutamic acid.
Molecular consequence: missense variant. On other transcripts: non-coding transcript variant (3).
Genome position (GRCh38, 1-based): chr17:46,931,173, A>G. VCF-style: chr17-46931173-A-G. GRCh37 (hg19) VCF-style: chr17-45008539-A-G.
Other names: c.169A>G, p.Lys57Glu (NM_001012511.3, NM_001321133.2, NM_001330252.2 and 1 more transcripts); c.115A>G, p.Lys39Glu (NM_001321134.2, NM_001363851.2); c.166A>G, p.Lys56Glu (NM_001353114.2, NM_001353115.2, NM_001353116.2); short protein forms K56E, K39E, K57E.
Identifiers: ClinVar variation 1993040 (VCV001993040.4), dbSNP rs2546239791, ClinGen allele CA400016752.